The following is an entry in ClinVar:

NM_001042492.3(NF1):c.8408C>T (p.Pro2803Leu)

Gene: NF1 (neurofibromin 1; plus strand). Cytogenetic location: 17q11.2.
Variant type: single nucleotide variant.
Coding change: c.8408C>T on transcript NM_001042492.3 (MANE Select); coding-DNA position 8408, C replaced by T.
Protein change: p.Pro2803Leu; replaces proline 2803 with leucine.
Molecular consequence: missense variant.
Genome position (GRCh38, 1-based): chr17:31,374,043, C>T. VCF-style: chr17-31374043-C-T. GRCh37 (hg19) VCF-style: chr17-29701061-C-T.
Other names: c.8345C>T, p.Pro2782Leu (NM_000267.4); short protein forms P2782L, P2803L.
Identifiers: ClinVar variation 1297627 (VCV001297627.10), dbSNP rs2151601322, ClinGen allele CA399205913.

ClinVar aggregate classification (germline): Conflicting classifications of pathogenicity. Review status: criteria provided, conflicting classifications (1 of 4 stars). 4 submissions from 4 submitters: Uncertain significance (1); Likely benign (1). 2 of the submissions do not count toward it. Last evaluated 2025-08-18.

Conditions:
Neurofibromatosis, type 1 (NF1). Also called: NEUROFIBROMATOSIS, TYPE I, SOMATIC; Peripheral type neurofibromatosis; VON RECKLINGHAUSEN DISEASE; Neurofibromatosis, type I. Identifiers: Orphanet 636, MedGen C0027831, MONDO:0018975, OMIM 162200. Disease mechanism: loss of function.
Cardiovascular phenotype. Identifiers: MedGen CN230736.
Hereditary cancer-predisposing syndrome. Also called: Tumor predisposition; Hereditary neoplastic syndrome; Neoplastic Syndromes, Hereditary; Hereditary Cancer Syndrome. Identifiers: Orphanet 140162, MedGen C0027672, MeSH D009386, MONDO:0015356.

gnomAD v4.1: 1 of 1,614,104 alleles (0.000062%); no homozygotes.

Submissions (4):

Labcorp Genetics (formerly Invitae), Labcorp
Classification: Likely benign for Neurofibromatosis, type 1. Last evaluated: 2025-08-18. Review status: criteria provided, single submitter. Criteria: Invitae Variant Classification Sherloc (09022015). Collection method: clinical testing. Allele origin: germline.

Ambry Genetics
Classification: Uncertain significance for Cardiovascular phenotype; Hereditary cancer-predisposing syndrome. Last evaluated: 2024-10-08. Review status: criteria provided, single submitter. Criteria: Ambry Variant Classification Scheme 2023. Collection method: clinical testing. Allele origin: germline.
Comment: The p.P2782L variant (also known as c.8345C>T), located in coding exon 57 of the NF1 gene, results from a C to T substitution at nucleotide position 8345. The proline at codon 2782 is replaced by leucine, an amino acid with similar properties. This amino acid position is highly conserved in available vertebrate species. In addition, the in silico prediction for this alteration is inconclusive. Based on the available evidence, the clinical significance of this variant remains unclear.

Clinical Genetics DNA and cytogenetics Diagnostics Lab, Erasmus MC, Erasmus Medical Center
Classification: Benign. Review status: no assertion criteria provided. Collection method: clinical testing. Allele origin: germline. Affected: yes. Study: VKGL Data-share Consensus. Not counted in ClinVar's aggregate classification.

Joint Genome Diagnostic Labs from Nijmegen and Maastricht, Radboudumc and MUMC+
Classification: Likely benign. Review status: no assertion criteria provided. Collection method: clinical testing. Allele origin: germline. Affected: yes. Study: VKGL Data-share Consensus. Not counted in ClinVar's aggregate classification.